The following is an entry in ClinVar:

NM_022089.4(ATP13A2):c.631G>T (p.Val211Leu)

Gene: ATP13A2 (ATPase cation transporting 13A2; minus strand). Cytogenetic location: 1p36.13.
Variant type: single nucleotide variant.
Coding change: c.631G>T on transcript NM_022089.4 (MANE Select); coding-DNA position 631, G replaced by T.
Protein change: p.Val211Leu; replaces valine 211 with leucine.
Molecular consequence: missense variant.
Genome position (GRCh38, 1-based): chr1:17,002,300, C>A on the plus strand (G>T on the coding strand, the complement: ATP13A2 is on the minus strand). VCF-style: chr1-17002300-C-A. GRCh37 (hg19) VCF-style: chr1-17328795-C-A.
Other names: c.616G>T, p.Val206Leu (NM_001141973.3, NM_001141974.3); short protein forms V211L, V206L.
Identifiers: ClinVar variation 1962985 (VCV001962985.4), dbSNP rs2524194740, ClinGen allele CA338259902.

ClinVar aggregate classification (germline): Uncertain significance (1 of 4 stars; one submission).

Conditions:
Autosomal recessive spastic paraplegia type 78. Identifiers: Orphanet 513436, MedGen C5567893, MONDO:0014975, OMIM 617225.
Kufor-Rakeb syndrome (KRS). Also called: PARKINSON DISEASE 9, AUTOSOMAL RECESSIVE, JUVENILE-ONSET. Identifiers: Orphanet 306674, Orphanet 314632, MedGen C1847640, MONDO:0011706, OMIM 606693.

Allele frequency attached by ClinVar (database versions not stated): gnomAD exomes below 0.00001.
gnomAD v4.1: 1 of 1,613,534 alleles (0.000062%); highest among the groups gnomAD compares: Non-Finnish European, 0.000085%; no homozygotes.

Submission:

Labcorp Genetics (formerly Invitae), Labcorp
Classification: Uncertain significance for Kufor-Rakeb syndrome; Autosomal recessive spastic paraplegia type 78. Last evaluated: 2024-04-17. Review status: criteria provided, single submitter. Criteria: Invitae Variant Classification Sherloc (09022015). Collection method: clinical testing. Allele origin: germline.
Comment: This sequence change replaces valine, which is neutral and non-polar, with leucine, which is neutral and non-polar, at codon 211 of the ATP13A2 protein (p.Val211Leu). This variant is not present in population databases (gnomAD no frequency). This variant has not been reported in the literature in individuals affected with ATP13A2-related conditions. ClinVar contains an entry for this variant (Variation ID: 1962985). Advanced modeling of protein sequence and biophysical properties (such as structural, functional, and spatial information, amino acid conservation, physicochemical variation, residue mobility, and thermodynamic stability) performed at Invitae indicates that this missense variant is not expected to disrupt ATP13A2 protein function with a negative predictive value of 80%. In summary, the available evidence is currently insufficient to determine the role of this variant in disease. Therefore, it has been classified as a Variant of Uncertain Significance.